The following is an entry in ClinVar:

NM_015021.3(ZNF292):c.7286G>A (p.Arg2429Gln)

Gene: ZNF292 (zinc finger protein 292; plus strand). Cytogenetic location: 6q14.3.
Variant type: single nucleotide variant.
Coding change: c.7286G>A on transcript NM_015021.3 (MANE Select); coding-DNA position 7286, G replaced by A.
Protein change: p.Arg2429Gln; replaces arginine 2429 with glutamine.
Molecular consequence: missense variant.
Genome position (GRCh38, 1-based): chr6:87,260,915, G>A. VCF-style: chr6-87260915-G-A. GRCh37 (hg19) VCF-style: chr6-87970633-G-A.
Other names: NC_000006.11:g.87970633G>A; c.6866G>A, p.Arg2289Gln (NM_001351444.2); short protein forms R2289Q, R2429Q.
Identifiers: ClinVar variation 791568 (VCV000791568.32), dbSNP rs61747660, ClinGen allele CA3914764.

ClinVar aggregate classification (germline): Benign/Likely benign. Review status: criteria provided, multiple submitters, no conflicts (2 of 4 stars). 5 submissions from 5 submitters: Benign (1); Likely benign (3). 1 of the submissions does not count toward it. Last evaluated 2026-07-01.

Conditions:
ZNF292-related disorder. Also called: ZNF292-related condition.
Inborn genetic diseases. Identifiers: MedGen C0950123, MeSH D030342.

Allele frequency attached by ClinVar (database versions not stated): 1000 Genomes Project 0.00060; 1000 Genomes Project 30x 0.00062; TOPMed 0.00088; ESP Exome Variant Server 0.00150; gnomAD exomes 0.00184 and 0.00242; gnomAD 0.00207 and 0.00219; ExAC 0.00293.
gnomAD v4.1: 2,976 of 1,610,734 alleles (0.18%); highest among the groups gnomAD compares: Non-Finnish European, 0.18%; 13 homozygotes.

Submissions (6):

CeGaT Center for Human Genetics Tuebingen
Classification: Likely benign. Last evaluated: 2026-07-01. Review status: criteria provided, single submitter. Criteria: CeGaT Center For Human Genetics Tuebingen Variant Classification Criteria Version 2. Collection method: clinical testing. Allele origin: germline. Affected: yes. Observed: 14 variant alleles.
Comment: ZNF292: BP4, BS1

Blueprint Genetics
Classification: Likely benign. Last evaluated: 2024-11-26. Review status: criteria provided, single submitter. Criteria: ACMG Guidelines, 2015. Collection method: clinical testing. Allele origin: germline.

Ambry Genetics
Classification: Likely benign for Inborn genetic diseases. Last evaluated: 2022-03-23. Review status: criteria provided, single submitter. Criteria: Ambry Variant Classification Scheme 2023. Collection method: clinical testing. Allele origin: germline.

Labcorp Genetics (formerly Invitae), Labcorp
Classification: Benign. Last evaluated: 2019-12-31. Review status: criteria provided, single submitter. Criteria: Invitae Variant Classification Sherloc (09022015). Collection method: clinical testing. Allele origin: germline.

PreventionGenetics, part of Exact Sciences
Classification: Benign for ZNF292-related condition. Last evaluated: 2022-03-16. Review status: no assertion criteria provided. Collection method: clinical testing. Allele origin: germline. Not counted in ClinVar's aggregate classification.
Comment: This variant is classified as benign based on ACMG/AMP sequence variant interpretation guidelines (Richards et al. 2015 PMID: 25741868, with internal and published modifications).

Dr. Peter K. Rogan Lab, Western University
No classification provided (evidence only). Condition: Gastric cancer. Review status: no classification provided. Collection method: in vitro. Allele origin: not applicable. Functional consequence: retained intron. Not counted in ClinVar's aggregate classification.